The following is an entry in ClinVar:

NM_001198533.2(OXR1):c.618G>A (p.Glu206=)

Gene: OXR1 (oxidation resistance 1; plus strand). Cytogenetic location: 8q23.1.
Variant type: single nucleotide variant.
Coding change: c.618G>A on transcript NM_001198533.2 (MANE Select); coding-DNA position 618, G replaced by A.
Protein change: p.Glu206=; no amino-acid change (glutamic acid 206 retained).
Molecular consequence: synonymous variant.
Genome position (GRCh38, 1-based): chr8:106,692,820, G>A. VCF-style: chr8-106692820-G-A. GRCh37 (hg19) VCF-style: chr8-107705048-G-A.
Other names: c.621G>A, p.Glu207= (NM_001198532.1); c.618G>A, p.Glu206= (NM_018002.3); c.597G>A, p.Glu199= (NM_181354.4).
Identifiers: ClinVar variation 3904938 (VCV003904938.10).

ClinVar aggregate classification (germline): Likely benign (1 of 4 stars; one submission).

gnomAD v4.1: 8,549 of 1,605,276 alleles (0.53%); highest among the groups gnomAD compares: Middle Eastern, 1.5%; 37 homozygotes.

Submission:

CeGaT Center for Human Genetics Tuebingen
Classification: Likely benign. Last evaluated: 2026-09-01. Review status: criteria provided, single submitter. Criteria: CeGaT Center For Human Genetics Tuebingen Variant Classification Criteria Version 2. Collection method: clinical testing. Allele origin: germline. Affected: yes. Observed: 17 variant alleles.
Comment: OXR1: BP4, BP7, BS2